The following is an entry in ClinVar:

NM_001999.4(FBN2):c.539G>A (p.Cys180Tyr)

Gene: FBN2 (fibrillin 2; minus strand). Cytogenetic location: 5q23.3.
Variant type: single nucleotide variant.
Coding change: c.539G>A on transcript NM_001999.4 (MANE Select); coding-DNA position 539, G replaced by A.
Protein change: p.Cys180Tyr; replaces cysteine 180 with tyrosine.
Molecular consequence: missense variant.
Genome position (GRCh38, 1-based): chr5:128,519,362, C>T on the plus strand (G>A on the coding strand, the complement: FBN2 is on the minus strand). VCF-style: chr5-128519362-C-T. GRCh37 (hg19) VCF-style: chr5-127855055-C-T.
Other names: short protein forms C180Y.
Identifiers: ClinVar variation 519826 (VCV000519826.8), dbSNP rs1554075372, ClinGen allele CA360756260.

ClinVar aggregate classification (germline): Conflicting classifications of pathogenicity. Review status: criteria provided, conflicting classifications (1 of 4 stars). 3 submissions from 3 submitters: Likely pathogenic (1); Uncertain significance (2). Last evaluated 2024-03-19.

Conditions:
FBN2-related disorder. Also called: FBN2-related condition.
Congenital contractural arachnodactyly (CCA). Also called: BEALS SYNDROME; Beals-Hecht syndrome; Arthrogryposis, distal, type 9. Identifiers: Orphanet 115, MedGen C0220668, MONDO:0007363, OMIM 121050.
Familial thoracic aortic aneurysm and aortic dissection (TAAD). Also called: Thoracic aortic aneurysms and dissections. Identifiers: Orphanet 91387, MedGen C4707243, MONDO:0019625.

Submissions (3):

Labcorp Genetics (formerly Invitae), Labcorp
Classification: Uncertain significance for Congenital contractural arachnodactyly. Last evaluated: 2024-03-19. Review status: criteria provided, single submitter. Criteria: Invitae Variant Classification Sherloc (09022015). Collection method: clinical testing. Allele origin: germline.
Comment: This sequence change replaces cysteine, which is neutral and slightly polar, with tyrosine, which is neutral and polar, at codon 180 of the FBN2 protein (p.Cys180Tyr). This variant is not present in population databases (gnomAD no frequency). This variant has not been reported in the literature in individuals affected with FBN2-related conditions. ClinVar contains an entry for this variant (Variation ID: 519826). Advanced modeling of protein sequence and biophysical properties (such as structural, functional, and spatial information, amino acid conservation, physicochemical variation, residue mobility, and thermodynamic stability) performed at Invitae indicates that this missense variant is expected to disrupt FBN2 protein function with a positive predictive value of 80%. In summary, the available evidence is currently insufficient to determine the role of this variant in disease. Therefore, it has been classified as a Variant of Uncertain Significance.

PreventionGenetics, part of Exact Sciences
Classification: Uncertain significance for FBN2-related condition. Last evaluated: 2023-06-19. Review status: criteria provided, single submitter. Criteria: ACMG Guidelines, 2015. Collection method: clinical testing. Allele origin: germline.
Comment: The FBN2 c.539G>A variant is predicted to result in the amino acid substitution p.Cys180Tyr. To our knowledge, this variant has not been reported in the literature or in a large population database, indicating this variant is rare. It has been documented as likely pathogenic by a single lab in the ClinVar database. At this time, the clinical significance of this variant is uncertain due to the absence of conclusive functional and genetic evidence.

Ambry Genetics
Classification: Likely pathogenic for Familial thoracic aortic aneurysm and aortic dissection. Last evaluated: 2016-09-01. Review status: criteria provided, single submitter. Criteria: Ambry Variant Classification Scheme 2023. Collection method: clinical testing. Allele origin: germline.
Comment: The p.C180Y variant (also known as c.539G>A), located in coding exon 5 of the FBN2 gene, results from a G to A substitution at nucleotide position 539. The cysteine at codon 180 is replaced by tyrosine, an amino acid with highly dissimilar properties. Internal structure analysis reveals that this alteration would result in loss of an EGF-defining disulfide motif and is likely to cause large structural destabilization of the N-terminal domain (Yadin DA et al. Structure, 2013 ;21:1743-56). In one study, 13 of 14 reported FBN2 mutations were found in the middle region of the gene (exons 24-36), and 7 of these mutations were noted to alter or produce a cysteine residue (Callewaert BL et al. Hum Mutat. 2009;30(3):334-341). This variant was not reported in population based cohorts in the following databases: Database of Single Nucleotide Polymorphisms (dbSNP), NHLBI Exome Sequencing Project (ESP), and 1000 Genomes Project. In the ESP, this variant was not observed in 6503 samples (13006 alleles) with coverage at this position. This amino acid position is highly conserved in available vertebrate species. In addition, this alteration is predicted to be deleterious by in silico analysis. Based on the majority of available evidence to date, this variant is likely to be pathogenic.

Literature cited by the submitters: PubMed 24035709 (cited by Ambry Genetics).